The following is an entry in ClinVar:

NM_014845.6(FIG4):c.1948+46C>A

Gene: FIG4 (FIG4 phosphoinositide 5-phosphatase; plus strand). Cytogenetic location: 6q21.
Variant type: single nucleotide variant.
Coding change: c.1948+46C>A on transcript NM_014845.6 (MANE Select); 46 bases into the intron after coding-DNA position 1948, C replaced by A.
Molecular consequence: intron variant.
Genome position (GRCh38, 1-based): chr6:109,785,074, C>A. VCF-style: chr6-109785074-C-A. GRCh37 (hg19) VCF-style: chr6-110106277-C-A.
Identifiers: ClinVar variation 673596 (VCV000673596.3), dbSNP rs9320315, ClinGen allele CA3956241.

ClinVar aggregate classification (germline): Benign. Review status: criteria provided, multiple submitters, no conflicts (2 of 4 stars). 5 submissions from 2 submitters: Benign (5). Last evaluated 2021-08-10.

Conditions:
Yunis-Varon syndrome (YVS). Also called: Cleidocranial dysplasia, micrognathia, absent thumbs, & distal aphalangia. Identifiers: Orphanet 3472, MedGen C1857663, MONDO:0008995, OMIM 216340.
Charcot-Marie-Tooth disease type 4J (CMT4J). Also called: CHARCOT-MARIE-TOOTH DISEASE, AUTOSOMAL RECESSIVE, TYPE 4J; CHARCOT-MARIE-TOOTH DISEASE, DEMYELINATING, TYPE 4J; Charcot-Marie-Tooth Neuropathy Type 4J. Identifiers: Orphanet 139515, MedGen C1970011, MONDO:0012640, OMIM 611228.
Amyotrophic lateral sclerosis type 11 (ALS11). Identifiers: Orphanet 803, MedGen C2675491, MONDO:0012945, OMIM 612577.
Bilateral parasagittal parieto-occipital polymicrogyria. Also called: Polymicrogyria, bilateral temporooccipital. Identifiers: Orphanet 208441, MedGen C4013648, MONDO:0012986, OMIM 612691.

Allele frequency attached by ClinVar (database versions not stated): gnomAD exomes 0.18345 and 0.22041; ESP Exome Variant Server 0.20819; ExAC 0.22249; gnomAD 0.23093 and 0.23746; TOPMed 0.23937; 1000 Genomes Project 30x 0.34026; 1000 Genomes Project 0.34185.
gnomAD v4.1: 207,753 of 1,083,924 alleles (19%); highest among the groups gnomAD compares: African/African-American, 41%; 26,209 homozygotes.

Submissions (5):

Genome-Nilou Lab
Classification: Benign for Bilateral parasagittal parieto-occipital polymicrogyria. Last evaluated: 2021-08-10. Review status: criteria provided, single submitter. Criteria: ACMG Guidelines, 2015. Collection method: clinical testing. Allele origin: germline. Affected: no.

Genome-Nilou Lab
Classification: Benign for Amyotrophic lateral sclerosis type 11. Last evaluated: 2021-08-10. Review status: criteria provided, single submitter. Criteria: ACMG Guidelines, 2015. Collection method: clinical testing. Allele origin: germline. Affected: no.

Genome-Nilou Lab
Classification: Benign for Charcot-Marie-Tooth disease type 4J. Last evaluated: 2021-08-10. Review status: criteria provided, single submitter. Criteria: ACMG Guidelines, 2015. Collection method: clinical testing. Allele origin: germline. Affected: no.

Genome-Nilou Lab
Classification: Benign for Yunis-Varon syndrome. Last evaluated: 2021-08-10. Review status: criteria provided, single submitter. Criteria: ACMG Guidelines, 2015. Collection method: clinical testing. Allele origin: germline. Affected: no.

GeneDx
Classification: Benign. Last evaluated: 2018-06-14. Review status: criteria provided, single submitter. Criteria: GeneDx Variant Classification (06012015). Collection method: clinical testing. Allele origin: germline. Affected: yes.
Comment: This variant is considered likely benign or benign based on one or more of the following criteria: it is a conservative change, it occurs at a poorly conserved position in the protein, it is predicted to be benign by multiple in silico algorithms, and/or has population frequency not consistent with disease.